The following is an entry in ClinVar:

ClinVar aggregate classification (germline): Likely pathogenic. Review status: criteria provided, multiple submitters, no conflicts (2 of 4 stars). 2 submissions from 2 submitters: Likely pathogenic (2). Last evaluated 2025-01-13.

Conditions:
Hypotonia, infantile, with psychomotor retardation and characteristic facies 3 (IHPRF3). Also called: TBCK-Related Neurodevelopmental Disorder. Identifiers: Orphanet 488632, MedGen C5567480, MONDO:0014823, OMIM 616900.

Allele frequency attached by ClinVar (database versions not stated): TOPMed below 0.00001; gnomAD 0.00001.
gnomAD v4.1: 1 of 1,601,666 alleles (0.000062%); highest among the groups gnomAD compares: Non-Finnish European, 0.000085%; no homozygotes.

Submissions (2):

Broad Center for Mendelian Genomics, Broad Institute of MIT and Harvard
Classification: Likely pathogenic for Hypotonia, infantile, with psychomotor retardation and characteristic facies 3. Last evaluated: 2025-01-13. Review status: criteria provided, single submitter. Criteria: ACMG Guidelines, 2015. Collection method: curation. Allele origin: germline. Inheritance: Autosomal recessive inheritance.
Comment: The c.1775-1G>C variant in TBCK has not been preciously reported in the literature in individuals with TBCK-related intellectual disability syndrome, but has been identified 0.00009% (1/1170706) of European (non-Finnish) chromosomes by the Genome Aggregation Database (gnomAD; dbSNP rs758791315). Although this variant has been seen in the general population in a heterozygous state, its frequency is low enough to be consistent with a recessive carrier frequency. This variant has also been reported in ClinVar (Variation ID: 2094247) and has been interpreted as likely pathogenic by Invitae. This variant is located in the 5' splice region. SpliceAI predictions indicate the use of an out of frame cryptic splice site 3 bases from the intron-exon boundary, providing evidence that this variant may cause a frameshift and lead to a premature termination codon downstream. This alteration is then predicted to lead to a truncated or absent protein. However, this information is not predictive enough to determine pathogenicity. Loss of function of the TBCK gene is an established disease mechanism in autosomal recessive TBCK-related intellectual disability syndrome. In summary, although additional studies are required to fully establish its clinical significance, this variant is likely pathogenic for autosomal recessive TBCK-related intellectual disability syndrome. ACMG/AMP Criteria applied: PVS1, PM2_supporting (Richards 2015).

Labcorp Genetics (formerly Invitae), Labcorp
Classification: Likely pathogenic. Last evaluated: 2023-10-08. Review status: criteria provided, single submitter. Criteria: Invitae Variant Classification Sherloc (09022015). Collection method: clinical testing. Allele origin: germline.
Comment: This sequence change affects an acceptor splice site in intron 19 of the TBCK gene. It is expected to disrupt RNA splicing. Variants that disrupt the donor or acceptor splice site typically lead to a loss of protein function (PMID: 16199547), and loss-of-function variants in TBCK are known to be pathogenic (PMID: 27040692, 30103036). This variant is not present in population databases (gnomAD no frequency). This variant has not been reported in the literature in individuals affected with TBCK-related conditions. ClinVar contains an entry for this variant (Variation ID: 2094247). Algorithms developed to predict the effect of sequence changes on RNA splicing suggest that this variant may disrupt the consensus splice site. In summary, the currently available evidence indicates that the variant is pathogenic, but additional data are needed to prove that conclusively. Therefore, this variant has been classified as Likely Pathogenic.

Literature cited by the submitters: PubMed 16199547 (cited by Labcorp Genetics (formerly Invitae), Labcorp); PubMed 27040692 (cited by Labcorp Genetics (formerly Invitae), Labcorp); PubMed 30103036 (cited by Labcorp Genetics (formerly Invitae), Labcorp).

NM_001163435.3(TBCK):c.1775-1G>C

Gene: TBCK (TBC1 domain containing kinase; minus strand). Cytogenetic location: 4q24.
Variant type: single nucleotide variant.
Coding change: c.1775-1G>C on transcript NM_001163435.3 (MANE Select); the canonical splice acceptor site of the intron before coding-DNA position 1775, G replaced by C.
Molecular consequence: splice acceptor variant.
Genome position (GRCh38, 1-based): chr4:106,212,836, C>G on the plus strand (G>C on the coding strand, the complement: TBCK is on the minus strand). VCF-style: chr4-106212836-C-G. GRCh37 (hg19) VCF-style: chr4-107133993-C-G.
Other names: c.1775-1G>C (NM_001163436.4); c.1586-1G>C (NM_033115.5); c.1658-1G>C (NM_001163437.3); c.1259-1G>C (NM_001290768.2).
Identifiers: ClinVar variation 2094247 (VCV002094247.5), dbSNP rs758791315, ClinGen allele CA357821796.